The following is an entry in ClinVar:

ClinVar aggregate classification (germline): Uncertain significance (1 of 4 stars; one submission).

Submission:

GeneDx
Classification: Uncertain significance. Last evaluated: 2022-01-31. Review status: criteria provided, single submitter. Criteria: GeneDx Variant Classification Process June 2021. Collection method: clinical testing. Allele origin: germline. Affected: yes.
Comment: Not observed at significant frequency in large population cohorts (gnomAD); In silico analysis supports that this missense variant has a deleterious effect on protein structure/function; Has not been previously published as pathogenic or benign to our knowledge

NM_001330288.2(SMARCC2):c.250T>G (p.Phe84Val)

Gene: SMARCC2 (SWI/SNF related, matrix associated, actin dependent regulator of chromatin subfamily c member 2; minus strand). Cytogenetic location: 12q13.2.
Variant type: single nucleotide variant.
Coding change: c.250T>G on transcript NM_001330288.2 (MANE Select); coding-DNA position 250, T replaced by G.
Protein change: p.Phe84Val; replaces phenylalanine 84 with valine.
Molecular consequence: missense variant.
Genome position (GRCh38, 1-based): chr12:56,186,222, A>C on the plus strand (T>G on the coding strand, the complement: SMARCC2 is on the minus strand). VCF-style: chr12-56186222-A-C. GRCh37 (hg19) VCF-style: chr12-56580006-A-C.
Other names: c.250T>G, p.Phe84Val (NM_001130420.3, NM_003075.5, NM_139067.4); short protein forms F84V.
Identifiers: ClinVar variation 1699836 (VCV001699836.2), dbSNP rs2135756014, ClinGen allele CA385266265.
Genomic context (GRCh38, chr12:56,186,222, plus strand): 5'-GGTCACTCTTGAATTTGTAGGCAGCTGCAAGAATGTGGCACAAGGAGCCTCCCGCTTTGA[A>C]ATCTAGGAAACATTTGATCTACAAAATCAAGATACGGAAAAAGCATGTCAAGGTTCCACT-3'
Protein context (NP_001317217.1, residues 74-94): TKLPIKCFLD[Phe84Val]KAGGSLCHIL